The following is an entry in ClinVar:

NM_017950.4(CCDC40):c.1160-2A>C

Gene: CCDC40 (coiled-coil domain 40 molecular ruler complex subunit; plus strand). Cytogenetic location: 17q25.3.
Variant type: single nucleotide variant.
Coding change: c.1160-2A>C on transcript NM_017950.4 (MANE Select); the canonical splice acceptor site of the intron before coding-DNA position 1160, A replaced by C.
Molecular consequence: splice acceptor variant.
Genome position (GRCh38, 1-based): chr17:80,058,492, A>C. VCF-style: chr17-80058492-A-C. GRCh37 (hg19) VCF-style: chr17-78032291-A-C.
Other names: c.1160-2A>C (NM_001243342.2, NM_001330508.2).
Identifiers: ClinVar variation 2821057 (VCV002821057.3), dbSNP rs2510295726, ClinGen allele CA401324024.

ClinVar aggregate classification (germline): Likely pathogenic (1 of 4 stars; one submission).

Conditions:
Primary ciliary dyskinesia. Also called: Ciliary dyskinesia. Identifiers: Orphanet 244, MedGen C0008780, MONDO:0016575, HP:0012265.

Submission:

Labcorp Genetics (formerly Invitae), Labcorp
Classification: Likely pathogenic for Primary ciliary dyskinesia. Last evaluated: 2023-01-15. Review status: criteria provided, single submitter. Criteria: Invitae Variant Classification Sherloc (09022015). Collection method: clinical testing. Allele origin: germline.
Comment: This variant has not been reported in the literature in individuals affected with CCDC40-related conditions. This variant is not present in population databases (gnomAD no frequency). This sequence change affects an acceptor splice site in intron 7 of the CCDC40 gene. It is expected to disrupt RNA splicing. Variants that disrupt the donor or acceptor splice site typically lead to a loss of protein function (PMID: 16199547), and loss-of-function variants in CCDC40 are known to be pathogenic (PMID: 21131974, 22693285, 23255504). Algorithms developed to predict the effect of sequence changes on RNA splicing suggest that this variant may disrupt the consensus splice site. In summary, the currently available evidence indicates that the variant is pathogenic, but additional data are needed to prove that conclusively. Therefore, this variant has been classified as Likely Pathogenic.

Literature cited by the submitters: PubMed 16199547; PubMed 21131974; PubMed 22693285; PubMed 23255504.